The following is an entry in ClinVar:

ClinVar aggregate classification (germline): Pathogenic. Review status: criteria provided, multiple submitters, no conflicts (2 of 4 stars). 14 submissions from 14 submitters: Pathogenic (13). 1 of the submissions does not count toward it. Last evaluated 2026-09-02.

Conditions:
BARD1-related disorder. Also called: BARD1-related condition.
Hereditary cancer-predisposing syndrome. Also called: Tumor predisposition; Neoplastic Syndromes, Hereditary; Hereditary neoplastic syndrome; Hereditary Cancer Syndrome. Identifiers: Orphanet 140162, MedGen C0027672, MeSH D009386, MONDO:0015356.
Familial cancer of breast. Also called: BREAST CANCER, FAMILIAL; Hereditary breast cancer; hereditary breast carcinoma. Identifiers: Orphanet 227535, MedGen C0346153, MONDO:0016419, OMIM 114480. Disease mechanism: loss of function.
Breast cancer, susceptibility to. Identifiers: MedGen C3469522. Disease mechanism: gain of function.

Allele frequency attached by ClinVar (database versions not stated): gnomAD 0.00001 and 0.00002; gnomAD exomes 0.00001 and 0.00005; ExAC 0.00002; TOPMed 0.00004.
gnomAD v4.1: 74 of 1,613,030 alleles (0.0046%); highest among the groups gnomAD compares: Non-Finnish European, 0.0059%; no homozygotes.

Submissions (14):

PreventionGenetics, part of Exact Sciences
Classification: Pathogenic for BARD1-related condition. Last evaluated: 2026-09-02. Review status: criteria provided, single submitter. Criteria: ACMG Guidelines, 2015. Collection method: clinical testing. Allele origin: germline.
Comment: The BARD1 c.1652C>G variant is predicted to result in premature protein termination (p.Ser551*). This variant has been reported in multiple individuals with breast cancer (Churpek et al. 2015. PubMed ID: 25428789; Table S2, Weber-Lassalle et al. 2019. PubMed ID: 31036035; Supplemental Table, Tung et al. 2014. PubMed ID: 25186627). This variant is reported in 0.0026% of alleles in individuals of European (Non-Finnish) descent in gnomAD and is interpreted as pathogenic in ClinVar (Variation ID: 141384). Nonsense variants in BARD1 are expected to be pathogenic. This variant is interpreted as pathogenic.

Labcorp Genetics (formerly Invitae), Labcorp
Classification: Pathogenic for Familial cancer of breast. Last evaluated: 2026-01-18. Review status: criteria provided, single submitter. Criteria: Invitae Variant Classification Sherloc (09022015). Collection method: clinical testing. Allele origin: germline.
Comment: This sequence change creates a premature translational stop signal (p.Ser551*) in the BARD1 gene. It is expected to result in an absent or disrupted protein product. Loss-of-function variants in BARD1 are known to be pathogenic (PMID: 20077502, 21344236). This variant is present in population databases (rs587781707, gnomAD 0.007%). This premature translational stop signal has been observed in individual(s) with breast cancer (PMID: 25428789, 26786923). ClinVar contains an entry for this variant (Variation ID: 141384). For these reasons, this variant has been classified as Pathogenic.

Ambry Genetics
Classification: Pathogenic for Hereditary cancer-predisposing syndrome. Last evaluated: 2025-04-07. Review status: criteria provided, single submitter. Criteria: Ambry Variant Classification Scheme 2023. Collection method: clinical testing. Allele origin: germline.
Comment: The p.S551* pathogenic mutation (also known as c.1652C>G), located in coding exon 7 of the BARD1 gene, results from a C to G substitution at nucleotide position 1652. This changes the amino acid from a serine to a stop codon within coding exon 7. This alteration has been previously identified in various high risk breast-ovarian, triple negative breast, and pancreatic cancer cohorts (Churpek JE et al. Breast Cancer Res. Treat., 2015 Jan;149:31-9; Maxwell KN et al. Genet. Med., 2015 Aug;17:630-8; Thompson ER et al. J. Clin. Oncol., 2016 May;34:1455-9; Li J et al. J. Med. Genet., 2016 Jan;53:34-42; Brand R et al. Cancer. 2018 Sep;124(17):3520-3527). This variant is considered to be rare based on population cohorts in the Genome Aggregation Database (gnomAD). In addition to the clinical data presented in the literature, this alteration is expected to result in loss of function by premature protein truncation or nonsense-mediated mRNA decay. As such, this alteration is interpreted as a disease-causing mutation.

GeneDx
Classification: Pathogenic. Last evaluated: 2024-08-09. Review status: criteria provided, single submitter. Criteria: GeneDx Variant Classification Process June 2021. Collection method: clinical testing. Allele origin: germline. Affected: yes.
Comment: Nonsense variant predicted to result in protein truncation or nonsense mediated decay in a gene for which loss of function is a known mechanism of disease; Observed in individuals with a personal or family history including breast, ovarian, and other cancers (PMID: 25428789, 25503501, 26534844, 26786923, 31036035, 33498765); Published functional studies demonstrate reduced homology-directed repair (PMID: 30925164); A case control meta-analysis suggests this variant is associated with breast cancer (PMID: 32679805); Not observed at significant frequency in large population cohorts (gnomAD); This variant is associated with the following publications: (PMID: 28152038, 26534844, 36315097, 35833951, 34887416, 36451132, 25428789, 26681312, 26786923, 25503501, 28873162, 29625052, 32561076, 30067863, 32338768, 31036035, 33498765, 29922827, 30925164, 33804961, 31794323, 32679805, 25186627)

Quest Diagnostics Nichols Institute San Juan Capistrano
Classification: Pathogenic. Last evaluated: 2024-07-31. Review status: criteria provided, single submitter. Criteria: Quest Diagnostics criteria. Collection method: clinical testing. Allele origin: unknown.
Comment: The BARD1 c.1652C>G (p.Ser551*) variant causes the premature termination of BARD1 protein synthesis. This variant has been reported in the published literature in patients with breast cancer (PMIDs: 25428789 (2015), 25503501 (2015), 31036035 (2019), 33498765 (2022)), thyroid cancer (PMID: 29625052 (2018)), pancreatic cancer (PMID: 29922827 (2018) 30067863 (2018)), bladder cancer (PMID: 31794323 (2020), 35833951 (2020)), and prostate cancer (PMID: 32338768 (2020)). Experimental evidence indicates that this variant results in loss of function (PMID: 30925164 (2019)). The frequency of this variant in the general population, 0.000026 (3/113684 chromosomes (Genome Aggregation Database)), is consistent with pathogenicity. Based on the available information, this variant is classified as pathogenic.

Color Diagnostics, LLC DBA Color Health
Classification: Pathogenic for Hereditary cancer-predisposing syndrome. Last evaluated: 2024-07-26. Review status: criteria provided, single submitter. Criteria: ACMG Guidelines, 2015. Collection method: clinical testing. Allele origin: germline.
Comment: This variant changes 1 nucleotide in exon 7 of the BARD1 gene, creating a premature translation stop signal. This variant is expected to result in an absent or non-functional protein product. A functional study has shown that this variant results in the loss of homology-directed DNA repair activity of the BARD1 protein (PMID: 30925164 ). This variant has been reported in individuals affected with familial breast cancer (PMID 25428789, 25503501, 26534844, 26786923, 31036035). This variant has been identified in 3/251344 chromosomes in the general population by the Genome Aggregation Database (gnomAD). Loss of BARD1 function is a known mechanism of disease. Based on the available evidence, this variant is classified as Pathogenic.

Baylor Genetics
Classification: Pathogenic for Familial cancer of breast. Last evaluated: 2024-03-29. Review status: criteria provided, single submitter. Criteria: ACMG Guidelines, 2015. Collection method: clinical testing. Allele origin: unknown.

Department of Pathology and Laboratory Medicine, Sinai Health System
Classification: Pathogenic for Familial cancer of breast. Last evaluated: 2023-09-13. Review status: criteria provided, single submitter. Criteria: ACMG Guidelines, 2015. Collection method: clinical testing. Allele origin: germline. Affected: yes.

Myriad Genetics, Inc.
Classification: Pathogenic for Familial cancer of breast. Last evaluated: 2023-02-24. Review status: criteria provided, single submitter. Criteria: Myriad Autosomal Dominant, Autosomal Recessive and X-Linked Classification Criteria (2023). Collection method: clinical testing. Allele origin: unknown.
Comment: This variant is considered pathogenic. This variant creates a termination codon and is predicted to result in premature protein truncation.

Fulgent Genetics
Classification: Pathogenic for Familial cancer of breast. Last evaluated: 2021-10-21. Review status: criteria provided, single submitter. Criteria: ACMG Guidelines, 2015. Collection method: clinical testing. Allele origin: unknown.

Sema4
Classification: Pathogenic for Hereditary cancer-predisposing syndrome. Last evaluated: 2021-06-08. Review status: criteria provided, single submitter. Criteria: Sema4 Curation Guidelines. Collection method: curation. Allele origin: germline.
Comment: The BARD1 c.1652C>G (p.S551X) stopgain variant has been reported in heterozygosity in at least 5 individuals with breast cancer, pancreatic adenocarcinoma or thyroid cancer (PMID: 25428789, 26681312, 30067863, 29625052, 31036035). This nonsense variant creates a premature stop codon, which is predicted to cause loss of normal protein function either through protein truncation or nonsense-mediated mRNA decay. Loss of function variants in BARD1 are known to be pathogenic. This variant was observed in 3/113684 chromosomes in the Non-Finnish European population, according to the Genome Aggregation Database (PMID: 32461654). This variant has been reported in ClinVar (Variation ID: 141384). Based on the current evidence available, this variant is interpreted as pathogenic.

Women's Health and Genetics/Laboratory Corporation of America, LabCorp
Classification: Pathogenic for Familial cancer of breast. Last evaluated: 2020-03-12. Review status: criteria provided, single submitter. Criteria: LabCorp Variant Classification Summary - May 2015. Collection method: clinical testing. Allele origin: germline.
Comment: Variant summary: BARD1 c.1652C>G (p.Ser551X) results in a premature termination codon, predicted to cause a truncation of the encoded protein or absence of the protein due to nonsense mediated decay, which are commonly known mechanisms for disease. Truncations downstream of this position have been classified as pathogenic by our laboratory. The variant allele was found at a frequency of 1.2e-05 in 251344 control chromosomes (gnomAD). c.1652C>G has been reported in the literature in multiple individuals affected with Breast Cancer (e.g. Churpek_2015, Li_2016, Maxwell_2015, Thompson_2016, Weber-Lassalle_2019, Tung_2015). These data indicate that the variant is very likely to be associated with disease. Experimental evidence evaluating an impact on protein function demonstrated the variant to be deficient/non-functional in a homology-directed repair assay (Adamovich_2019). Seven ClinVar submitters (evaluation after 2014) cite the variant as pathogenic/likely pathogenic. Based on the evidence outlined above, the variant was classified as pathogenic.

Genetic Services Laboratory, University of Chicago
Classification: Pathogenic for {Breast cancer, susceptibility to}. Last evaluated: 2016-10-19. Review status: criteria provided, single submitter. Criteria: ACMG Guidelines, 2015. Collection method: clinical testing. Allele origin: germline. Affected: yes.

Counsyl
Classification: Pathogenic for Familial cancer of breast. Last evaluated: 2016-12-06. Review status: no assertion criteria provided. Collection method: clinical testing. Allele origin: unknown. Not counted in ClinVar's aggregate classification.

Literature cited by the submitters: PubMed 20077502 (cited by Labcorp Genetics (formerly Invitae), Labcorp); PubMed 21344236 (cited by Labcorp Genetics (formerly Invitae), Labcorp); PubMed 25428789 (cited by 8 submitters); PubMed 26786923 (cited by 6 submitters); PubMed 25503501 (cited by 6 submitters); PubMed 26534844 (cited by 5 submitters); PubMed 30925164 (cited by 4 submitters); PubMed 30067863 (cited by 3 submitters); PubMed 31794323 (cited by Quest Diagnostics Nichols Institute San Juan Capistrano and Department of Pathology and Laboratory Medicine, Sinai Health System); PubMed 29922827 (cited by Quest Diagnostics Nichols Institute San Juan Capistrano); PubMed 32338768 (cited by Quest Diagnostics Nichols Institute San Juan Capistrano); PubMed 35833951 (cited by Quest Diagnostics Nichols Institute San Juan Capistrano); PubMed 33498765 (cited by Quest Diagnostics Nichols Institute San Juan Capistrano); PubMed 29625052 (cited by Quest Diagnostics Nichols Institute San Juan Capistrano and Sema4); PubMed 31036035 (cited by 5 submitters); PubMed 26681312 (cited by Department of Pathology and Laboratory Medicine, Sinai Health System and Sema4); PubMed 25186627 (cited by Women's Health and Genetics/Laboratory Corporation of America, LabCorp).

NM_000465.4(BARD1):c.1652C>G (p.Ser551Ter)

Gene: BARD1 (BRCA1 associated RING domain 1; minus strand). Cytogenetic location: 2q35.
Variant type: single nucleotide variant.
Coding change: c.1652C>G on transcript NM_000465.4 (MANE Select); coding-DNA position 1652, C replaced by G.
Protein change: p.Ser551Ter; replaces serine 551 with a stop codon.
Molecular consequence: nonsense. On other transcripts: non-coding transcript variant (3), intron variant (1).
Genome position (GRCh38, 1-based): chr2:214,752,472, G>C on the plus strand (C>G on the coding strand, the complement: BARD1 is on the minus strand). VCF-style: chr2-214752472-G-C. GRCh37 (hg19) VCF-style: chr2-215617196-G-C.
Other names: p.S551*:TCA>TGA; c.1595C>G, p.Ser532Ter (NM_001282543.2); c.299C>G, p.Ser100Ter (NM_001282545.2); c.242C>G, p.Ser81Ter (NM_001282548.2); c.365-21964C>G (NM_001282549.2); short protein forms S551*, S532*, S100*, S81*.
Identifiers: ClinVar variation 141384 (VCV000141384.41), dbSNP rs587781707, ClinGen allele CA333205.
Genomic context (GRCh38, chr2:214,752,472, plus strand): 5'-ATATATAAATGTCCCAAAGCTAAATCCATACTTACTACTGAGCAGTGGCTAGCTGAGGAT[G>C]ATTCATTCTTCTCTGGTAGCAGCAATAGCGATTTCATACTTTCATCATCTGTATAATCGA-3'